The following is an entry in ClinVar:

NM_001083961.2(WDR62):c.562-335G>A

Gene: WDR62 (WD repeat domain 62; plus strand). Cytogenetic location: 19q13.12.
Variant type: single nucleotide variant.
Coding change: c.562-335G>A on transcript NM_001083961.2 (MANE Select); 335 bases into the intron before coding-DNA position 562, G replaced by A.
Molecular consequence: intron variant.
Genome position (GRCh38, 1-based): chr19:36,066,971, G>A. VCF-style: chr19-36066971-G-A. GRCh37 (hg19) VCF-style: chr19-36557873-G-A.
Other names: c.562-335G>A (NM_173636.5).
Identifiers: ClinVar variation 667587 (VCV000667587.1), dbSNP rs80109772, ClinGen allele CA14660093.
Genomic context (GRCh38, chr19:36,066,971, plus strand): 5'-AGGGATTGAGGAAATTTCATGGGTTATCCTGTGAAGGGCTCAGGGCAGGGCCCAGAGCAG[G>A]AGCCCCATCTGTGACAGCCATAGGTTGTGTTGTCCTTACATCCCAGCCGTGACTGTCCCC-3'

ClinVar aggregate classification (germline): Benign (1 of 4 stars; one submission).

Allele frequency attached by ClinVar (database versions not stated): 1000 Genomes Project 0.04593; 1000 Genomes Project 30x 0.04825; TOPMed 0.07417; gnomAD 0.07787 and 0.07942.
gnomAD v4.1: 11,953 of 152,242 alleles (7.9%); highest among the groups gnomAD compares: Non-Finnish European, 12%; 631 homozygotes.

Submission:

GeneDx
Classification: Benign. Last evaluated: 2018-06-19. Review status: criteria provided, single submitter. Criteria: GeneDx Variant Classification (06012015). Collection method: clinical testing. Allele origin: germline. Affected: yes.
Comment: This variant is considered likely benign or benign based on one or more of the following criteria: it is a conservative change, it occurs at a poorly conserved position in the protein, it is predicted to be benign by multiple in silico algorithms, and/or has population frequency not consistent with disease.